The following is an entry in ClinVar:

NM_006306.4(SMC1A):c.109+558C>T

Gene: SMC1A (structural maintenance of chromosomes 1A; minus strand). Cytogenetic location: Xp11.22.
Variant type: single nucleotide variant.
Coding change: c.109+558C>T on transcript NM_006306.4 (MANE Select); 558 bases into the intron after coding-DNA position 109, C replaced by T.
Molecular consequence: intron variant. On other transcripts: missense variant (1).
Genome position (GRCh38, 1-based): chrX:53,421,934, G>A on the plus strand (C>T on the coding strand, the complement: SMC1A is on the minus strand). VCF-style: chrX-53421934-G-A. GRCh37 (hg19) VCF-style: chrX-53448884-G-A.
Other names: c.4C>T, p.Leu2Phe (NM_001281463.1); short protein forms L2F.
Identifiers: ClinVar variation 1304337 (VCV001304337.2), dbSNP rs369163595, ClinGen allele CA10420715.

ClinVar aggregate classification (germline): Uncertain significance (1 of 4 stars; one submission).

Allele frequency attached by ClinVar (database versions not stated): gnomAD exomes below 0.00001 and 0.00001; ExAC 0.00002; gnomAD 0.00004; TOPMed 0.00009; ESP Exome Variant Server 0.00022.
gnomAD v4.1: 8 of 1,207,838 alleles (0.00066%); highest among the groups gnomAD compares: African/African-American, 0.014%; no homozygotes.

Submission:

GeneDx
Classification: Uncertain significance. Last evaluated: 2019-09-18. Review status: criteria provided, single submitter. Criteria: GeneDx Variant Classification Process June 2021. Collection method: clinical testing. Allele origin: germline. Affected: yes.
Comment: Not observed at a significant frequency in large population cohorts (Lek et al., 2016); The majority of missense variants in this gene are considered pathogenic (Stenson et al., 2014); Has not been previously published as pathogenic or benign to our knowledge; In-silico analysis, which includes splice predictors and evolutionary conservation, is inconclusive as to whether the variant alters gene splicing. In the absence of RNA/functional studies, the actual effect of this sequence change is unknown.